The following is an entry in ClinVar:

ClinVar aggregate classification (germline): Uncertain significance. Review status: criteria provided, multiple submitters, no conflicts (2 of 4 stars). 3 submissions from 3 submitters: Uncertain significance (3). Last evaluated 2023-04-11.

Conditions:
Symmetrical dyschromatosis of extremities (DSH). Also called: DYSCHROMATOSIS SYMMETRICA HEREDITARIA 1; RETICULATE ACROPIGMENTATION OF DOHI; SYMMETRIC DYSCHROMATOSIS OF THE EXTREMITIES; Dyschromatosis symmetrica hereditaria. Identifiers: Orphanet 41, MedGen C0406775, MONDO:0007483, OMIM 127400.
Aicardi-Goutieres syndrome 6 (AGS6). Identifiers: Orphanet 51, MedGen C3539013, MONDO:0014007, OMIM 615010.

Allele frequency attached by ClinVar (database versions not stated): gnomAD exomes 0.00001; TOPMed 0.00001; ExAC 0.00002.
gnomAD v4.1: 7 of 1,612,508 alleles (0.00043%); highest among the groups gnomAD compares: Non-Finnish European, 0.00059%; no homozygotes.

Submissions (3):

Genome-Nilou Lab
Classification: Uncertain significance for Aicardi-Goutieres syndrome 6. Last evaluated: 2023-04-11. Review status: criteria provided, single submitter. Criteria: ACMG Guidelines, 2015. Collection method: clinical testing. Allele origin: germline. Affected: no.

Fulgent Genetics
Classification: Uncertain significance for Symmetrical dyschromatosis of extremities; Aicardi-Goutieres syndrome 6. Last evaluated: 2021-11-04. Review status: criteria provided, single submitter. Criteria: ACMG Guidelines, 2015. Collection method: clinical testing. Allele origin: unknown.

Labcorp Genetics (formerly Invitae), Labcorp
Classification: Uncertain significance for Aicardi-Goutieres syndrome 6; Symmetrical dyschromatosis of extremities. Last evaluated: 2021-05-27. Review status: criteria provided, single submitter. Criteria: Invitae Variant Classification Sherloc (09022015). Collection method: clinical testing. Allele origin: germline.
Comment: This sequence change replaces proline with leucine at codon 350 of the ADAR protein (p.Pro350Leu). The proline residue is moderately conserved and there is a moderate physicochemical difference between proline and leucine. In summary, the available evidence is currently insufficient to determine the role of this variant in disease. Therefore, it has been classified as a Variant of Uncertain Significance. Algorithms developed to predict the effect of missense changes on protein structure and function are either unavailable or do not agree on the potential impact of this missense change (SIFT: "Deleterious"; PolyPhen-2: "Probably Damaging"; Align-GVGD: "Class C0"). This variant has not been reported in the literature in individuals with ADAR-related conditions. This variant is present in population databases (rs763695856, ExAC 0.003%).

NM_001111.5(ADAR):c.1049C>T (p.Pro350Leu)

Gene: ADAR (adenosine deaminase RNA specific; minus strand). Cytogenetic location: 1q21.3.
Variant type: single nucleotide variant.
Coding change: c.1049C>T on transcript NM_001111.5 (MANE Select); coding-DNA position 1049, C replaced by T.
Protein change: p.Pro350Leu; replaces proline 350 with leucine.
Molecular consequence: missense variant.
Genome position (GRCh38, 1-based): chr1:154,601,593, G>A on the plus strand (C>T on the coding strand, the complement: ADAR is on the minus strand). VCF-style: chr1-154601593-G-A. GRCh37 (hg19) VCF-style: chr1-154574069-G-A.
Other names: c.164C>T, p.Pro55Leu (NM_001025107.3, NM_001193495.2, NM_001365046.1 and 3 more transcripts); c.1076C>T, p.Pro359Leu (NM_001365045.1); c.1049C>T, p.Pro350Leu (NM_015840.4, NM_015841.4); short protein forms P350L, P359L, P55L.
Identifiers: ClinVar variation 1509297 (VCV001509297.9), dbSNP rs763695856, ClinGen allele CA1131597.